The following is an entry in ClinVar:

ClinVar aggregate classification (germline): Uncertain significance (1 of 4 stars; one submission).

Conditions:
Osteogenesis imperfecta type 7 (OI7). Also called: OSTEOGENESIS IMPERFECTA, TYPE IIB; Osteogenesis imperfecta type 2B; OI type 2B; Osteogenesis imperfecta, perinatal lethal autosomal recessive; OI type IIB; OI type 7. Identifiers: MedGen C1853162, MONDO:0012536, OMIM 610682.

Allele frequency attached by ClinVar (database versions not stated): gnomAD exomes 0.00001; ExAC 0.00002.
gnomAD v4.1: 3 of 1,614,238 alleles (0.00019%); highest among the groups gnomAD compares: Non-Finnish European, 0.00025%; no homozygotes.

Submission:

Labcorp Genetics (formerly Invitae), Labcorp
Classification: Uncertain significance for Osteogenesis imperfecta type 7. Last evaluated: 2022-11-08. Review status: criteria provided, single submitter. Criteria: Invitae Variant Classification Sherloc (09022015). Collection method: clinical testing. Allele origin: germline.
Comment: This sequence change replaces lysine, which is basic and polar, with glutamine, which is neutral and polar, at codon 257 of the CRTAP protein (p.Lys257Gln). This variant is present in population databases (rs779832379, gnomAD 0.002%). This variant has not been reported in the literature in individuals affected with CRTAP-related conditions. Advanced modeling of protein sequence and biophysical properties (such as structural, functional, and spatial information, amino acid conservation, physicochemical variation, residue mobility, and thermodynamic stability) performed at Invitae indicates that this missense variant is not expected to disrupt CRTAP protein function. In summary, the available evidence is currently insufficient to determine the role of this variant in disease. Therefore, it has been classified as a Variant of Uncertain Significance.

NM_006371.5(CRTAP):c.769A>C (p.Lys257Gln)

Gene: CRTAP (cartilage associated protein; plus strand). Cytogenetic location: 3p22.3.
Variant type: single nucleotide variant.
Coding change: c.769A>C on transcript NM_006371.5 (MANE Select); coding-DNA position 769, A replaced by C.
Protein change: p.Lys257Gln; replaces lysine 257 with glutamine.
Molecular consequence: missense variant.
Genome position (GRCh38, 1-based): chr3:33,124,555, A>C. VCF-style: chr3-33124555-A-C. GRCh37 (hg19) VCF-style: chr3-33166047-A-C.
Other names: c.769A>C, p.Lys257Gln (NM_001393363.1, NM_001393364.1); c.619A>C, p.Lys207Gln (NM_001393365.1); short protein forms K257Q, K207Q.
Identifiers: ClinVar variation 2109344 (VCV002109344.4), dbSNP rs779832379, ClinGen allele CA2300384.